The following is an entry in ClinVar:

ClinVar aggregate classification (germline): Uncertain significance (1 of 4 stars; one submission).

Submission:

GeneDx
Classification: Uncertain significance. Last evaluated: 2022-11-23. Review status: criteria provided, single submitter. Criteria: GeneDx Variant Classification Process June 2021. Collection method: clinical testing. Allele origin: germline. Affected: yes.
Comment: Not observed at significant frequency in large population cohorts (gnomAD); In silico analysis supports that this missense variant has a deleterious effect on protein structure/function; Has not been previously published as pathogenic or benign to our knowledge; Variants in candidate genes are classified as variants of uncertain significance in accordance with ACMG guidelines (Richards et al., 2015)

NM_014974.3(DIP2C):c.1718A>T (p.Asn573Ile)

Gene: DIP2C (disco interacting protein 2 homolog C; minus strand). Cytogenetic location: 10p15.3.
Variant type: single nucleotide variant.
Coding change: c.1718A>T on transcript NM_014974.3 (MANE Select); coding-DNA position 1718, A replaced by T.
Protein change: p.Asn573Ile; replaces asparagine 573 with isoleucine.
Molecular consequence: missense variant.
Genome position (GRCh38, 1-based): chr10:384,584, T>A on the plus strand (A>T on the coding strand, the complement: DIP2C is on the minus strand). VCF-style: chr10-384584-T-A. GRCh37 (hg19) VCF-style: chr10-430524-T-A.
Other names: short protein forms N573I.
Identifiers: ClinVar variation 3342709 (VCV003342709.1).